The following is an entry in ClinVar:

ClinVar aggregate classification (germline): Conflicting classifications of pathogenicity. Review status: criteria provided, conflicting classifications (1 of 4 stars). 6 submissions from 4 submitters: Uncertain significance (4); Likely benign (2). Last evaluated 2026-01-18.

Conditions:
Inborn genetic diseases. Identifiers: MedGen C0950123, MeSH D030342.
Bronchiectasis with or without elevated sweat chloride 1 (BESC1). Also called: Cystic Fibrosis-Like Syndrome. Identifiers: Orphanet 60033, MedGen C2749757, MONDO:0008887, OMIM 211400.
Liddle syndrome 1 (LIDLS1). Also called: PSEUDOALDOSTERONISM. Identifiers: Orphanet 526, MedGen CN031472, MONDO:0020607, OMIM 177200.
Pseudohypoaldosteronism, type IB2, autosomal recessive (PHA1B2). Identifiers: MedGen C5774255, MONDO:0859317, OMIM 620125.
Pseudohypoaldosteronism, type IB1, autosomal recessive. Also called: Pseudohypoaldosteronism, Type I, Autosomal Recessive; PHA I, AUTOSOMAL RECESSIVE; Autosomal recessive pseudohypoaldosteronism type 1; Pseudohypoaldosteronism, Type I, Recessive. Identifiers: Orphanet 171876, Orphanet 756, MedGen C5774176, MONDO:0009917, OMIM 264350.

Allele frequency attached by ClinVar (database versions not stated): gnomAD 0.00007 and 0.00008; gnomAD exomes 0.00009 and 0.00011; TOPMed 0.00009; ExAC 0.00010; 1000 Genomes Project 30x 0.00016; 1000 Genomes Project 0.00020.
gnomAD v4.1: 159 of 1,614,062 alleles (0.0099%); highest among the groups gnomAD compares: South Asian, 0.019%; no homozygotes.

Submissions (6):

Labcorp Genetics (formerly Invitae), Labcorp
Classification: Uncertain significance. Last evaluated: 2026-01-18. Review status: criteria provided, single submitter. Criteria: Invitae Variant Classification Sherloc (09022015). Collection method: clinical testing. Allele origin: germline.
Comment: This sequence change replaces arginine, which is basic and polar, with histidine, which is basic and polar, at codon 410 of the SCNN1B protein (p.Arg410His). This variant is present in population databases (rs200966246, gnomAD 0.02%). This variant has not been reported in the literature in individuals affected with SCNN1B-related conditions. ClinVar contains an entry for this variant (Variation ID: 885512). Invitae Evidence Modeling of protein sequence and biophysical properties (such as structural, functional, and spatial information, amino acid conservation, physicochemical variation, residue mobility, and thermodynamic stability) indicates that this missense variant is not expected to disrupt SCNN1B protein function with a negative predictive value of 80%. In summary, the available evidence is currently insufficient to determine the role of this variant in disease. Therefore, it has been classified as a Variant of Uncertain Significance.

Fulgent Genetics
Classification: Uncertain significance for Liddle syndrome 1; Bronchiectasis with or without elevated sweat chloride 1; Pseudohypoaldosteronism, type IB2, autosomal recessive. Last evaluated: 2024-05-23. Review status: criteria provided, single submitter. Criteria: ACMG Guidelines, 2015. Collection method: clinical testing. Allele origin: germline.

Ambry Genetics
Classification: Uncertain significance for Inborn genetic diseases. Last evaluated: 2022-12-16. Review status: criteria provided, single submitter. Criteria: Ambry Variant Classification Scheme 2023. Collection method: clinical testing. Allele origin: germline.

Illumina Laboratory Services, Illumina
Classification: Likely benign for Bronchiectasis with or without elevated sweat chloride 1. Last evaluated: 2018-01-13. Review status: criteria provided, single submitter. Criteria: ICSL Variant Classification Criteria 13 December 2019. Collection method: clinical testing. Allele origin: germline.
Comment: This variant was observed in the ICSL laboratory as part of a predisposition screen in an ostensibly healthy population. It had not been previously curated by ICSL or reported in the Human Gene Mutation Database (HGMD: prior to June 1st, 2018), and was therefore a candidate for classification through an automated scoring system. Utilizing variant allele frequency, disease prevalence and penetrance estimates, and inheritance mode, an automated score was calculated to assess if this variant is too frequent to cause the disease. Based on the score and internal cut-off values, a variant classified as likely benign is not then subjected to further curation. The score for this variant resulted in a classification of likely benign for this disease.

Illumina Laboratory Services, Illumina
Classification: Uncertain significance for Pseudohypoaldosteronism, type IB1, autosomal recessive. Last evaluated: 2018-01-13. Review status: criteria provided, single submitter. Criteria: ICSL Variant Classification Criteria 13 December 2019. Collection method: clinical testing. Allele origin: germline.

Illumina Laboratory Services, Illumina
Classification: Likely benign for Liddle syndrome 1. Last evaluated: 2018-01-13. Review status: criteria provided, single submitter. Criteria: ICSL Variant Classification Criteria 13 December 2019. Collection method: clinical testing. Allele origin: germline.
Comment: the same text as in the submission from Illumina Laboratory Services, Illumina above.

NM_000336.3(SCNN1B):c.1229G>A (p.Arg410His)

Gene: SCNN1B (sodium channel epithelial 1 subunit beta; plus strand). Cytogenetic location: 16p12.2.
Variant type: single nucleotide variant.
Coding change: c.1229G>A on transcript NM_000336.3 (MANE Select); coding-DNA position 1229, G replaced by A.
Protein change: p.Arg410His; replaces arginine 410 with histidine.
Molecular consequence: missense variant.
Genome position (GRCh38, 1-based): chr16:23,375,814, G>A. VCF-style: chr16-23375814-G-A. GRCh37 (hg19) VCF-style: chr16-23387135-G-A.
Other names: short protein forms R410H.
Identifiers: ClinVar variation 885512 (VCV000885512.10), dbSNP rs200966246, ClinGen allele CA7960405.